The following is an entry in ClinVar:

ClinVar aggregate classification (germline): Benign. Review status: criteria provided, single submitter (1 of 4 stars). 2 submissions from 1 submitter: Benign (2). Last evaluated 2018-01-13.

Conditions:
Van der Woude syndrome 1. Also called: CLEFT LIP AND/OR PALATE WITH MUCOUS CYSTS OF LOWER LIP; van der Woude Syndrome (VWS). Identifiers: MedGen C4551864, MONDO:0007333, OMIM 119300.
Orofacial cleft 6, susceptibility to (OFC6). Also called: CLEFT LIP WITH OR WITHOUT CLEFT PALATE, NONSYNDROMIC, 6. Identifiers: MedGen C1837213, MONDO:0012141, OMIM 608864.

Allele frequency attached by ClinVar (database versions not stated): 1000 Genomes Project 30x 0.00156; 1000 Genomes Project 0.00200; gnomAD 0.00250 and 0.00261; TOPMed 0.00275.

Submissions (2):

Illumina Laboratory Services, Illumina
Classification: Benign for Orofacial cleft 6, susceptibility to. Last evaluated: 2018-01-13. Review status: criteria provided, single submitter. Criteria: ICSL Variant Classification Criteria 13 December 2019. Collection method: clinical testing. Allele origin: germline.
Comment: This variant was observed in the ICSL laboratory as part of a predisposition screen in an ostensibly healthy population. It had not been previously curated by ICSL or reported in the Human Gene Mutation Database (HGMD: prior to June 1st, 2018), and was therefore a candidate for classification through an automated scoring system. Utilizing variant allele frequency, disease prevalence and penetrance estimates, and inheritance mode, an automated score was calculated to assess if this variant is too frequent to cause the disease. Based on the score and internal cut-off values, a variant classified as benign is not then subjected to further curation. The score for this variant resulted in a classification of benign for this disease.

Illumina Laboratory Services, Illumina
Classification: Benign for Van der Woude syndrome 1. Last evaluated: 2018-01-13. Review status: criteria provided, single submitter. Criteria: ICSL Variant Classification Criteria 13 December 2019. Collection method: clinical testing. Allele origin: germline.
Comment: the same text as in the submission from Illumina Laboratory Services, Illumina above.

NM_006147.4(IRF6):c.*965G>A

Gene: IRF6 (interferon regulatory factor 6; minus strand). Cytogenetic location: 1q32.2.
Variant type: single nucleotide variant.
Coding change: c.*965G>A on transcript NM_006147.4 (MANE Select); 965 bases downstream of the stop codon, G replaced by A.
Molecular consequence: 3 prime UTR variant.
Genome position (GRCh38, 1-based): chr1:209,787,455, C>T on the plus strand (G>A on the coding strand, the complement: IRF6 is on the minus strand). VCF-style: chr1-209787455-C-T. GRCh37 (hg19) VCF-style: chr1-209960800-C-T.
Other names: c.*965G>A (NM_001206696.2).
Identifiers: ClinVar variation 295188 (VCV000295188.5), dbSNP rs144692145, ClinGen allele CA10609017.